The following is an entry in ClinVar:

NM_024312.5(GNPTAB):c.2354T>C (p.Leu785Ser)

Gene: GNPTAB (N-acetylglucosamine-1-phosphate transferase subunits alpha and beta; minus strand). Cytogenetic location: 12q23.2.
Variant type: single nucleotide variant.
Coding change: c.2354T>C on transcript NM_024312.5 (MANE Select); coding-DNA position 2354, T replaced by C.
Protein change: p.Leu785Ser; replaces leucine 785 with serine.
Molecular consequence: missense variant.
Genome position (GRCh38, 1-based): chr12:101,764,563, A>G on the plus strand (T>C on the coding strand, the complement: GNPTAB is on the minus strand). VCF-style: chr12-101764563-A-G. GRCh37 (hg19) VCF-style: chr12-102158341-A-G.
Other names: short protein forms L785S.
Identifiers: ClinVar variation 4068816 (VCV004068816.2).

ClinVar aggregate classification (germline): Uncertain significance. Review status: criteria provided, single submitter (1 of 4 stars). 2 submissions from 2 submitters: Uncertain significance (1). 1 of the submissions does not count toward it. Last evaluated 2026-03-03.

Conditions:
Mucolipidosis type II. Also called: ML II ALPHA/BETA; Mucolipidosis 2; ML 2; Inclusion cell disease; Leroy Disease; N-acetylglucosamine 1phosphotransferase deficiency. Identifiers: Orphanet 576, MedGen C2673377, MONDO:0009650, OMIM 252500.

Submissions (2):

Women's Health and Genetics/Laboratory Corporation of America, LabCorp
Classification: Uncertain significance. Last evaluated: 2026-03-03. Review status: criteria provided, single submitter. Criteria: LabCorp Variant Classification Summary - May 2015. Collection method: clinical testing. Allele origin: germline.
Comment: Variant summary: GNPTAB c.2354T>C (p.Leu785Ser) results in a non-conservative amino acid change in the encoded protein sequence. Algorithms developed to predict the effect of missense changes on protein structure and function are either unavailable or do not agree on the potential impact of this missense change. The variant was absent in 250492 control chromosomes. The available data on variant occurrences in the general population are insufficient to allow any conclusion about variant significance. To our knowledge, no occurrence of c.2354T>C in individuals affected with GNPTAB-related conditions and no experimental evidence demonstrating its impact on protein function have been reported. ClinVar contains an entry for this variant (Variation ID: 4068816). Based on the evidence outlined above, the variant was classified as uncertain significance.

Natera, Inc.
Classification: Uncertain significance for Mucolipidosis type II. Last evaluated: 2025-05-14. Review status: no assertion criteria provided. Collection method: clinical testing. Allele origin: germline. Not counted in ClinVar's aggregate classification.